The following is an entry in ClinVar:

NM_000321.3(RB1):c.2445T>G (p.Ile815Met)

Gene: RB1 (RB transcriptional corepressor 1; plus strand). Cytogenetic location: 13q14.2.
Variant type: single nucleotide variant.
Coding change: c.2445T>G on transcript NM_000321.3 (MANE Select); coding-DNA position 2445, T replaced by G.
Protein change: p.Ile815Met; replaces isoleucine 815 with methionine.
Molecular consequence: missense variant.
Genome position (GRCh38, 1-based): chr13:48,465,324, T>G. VCF-style: chr13-48465324-T-G. GRCh37 (hg19) VCF-style: chr13-49039460-T-G.
Other names: c.2445T>G, p.Ile815Met (NM_001407165.1); short protein forms I815M.
Identifiers: ClinVar variation 1791389 (VCV001791389.2), dbSNP rs2138346036, ClinGen allele CA388168001.

ClinVar aggregate classification (germline): Uncertain significance (1 of 4 stars; one submission).

Conditions:
Hereditary cancer-predisposing syndrome. Also called: Hereditary Cancer Syndrome; Hereditary neoplastic syndrome; Tumor predisposition; Neoplastic Syndromes, Hereditary. Identifiers: Orphanet 140162, MedGen C0027672, MeSH D009386, MONDO:0015356.

Allele frequency attached by ClinVar (database versions not stated): gnomAD exomes below 0.00001.
gnomAD v4.1: 1 of 1,611,278 alleles (0.000062%); highest among the groups gnomAD compares: Non-Finnish European, 0.000085%; no homozygotes.

Submission:

Ambry Genetics
Classification: Uncertain significance for Hereditary cancer-predisposing syndrome. Last evaluated: 2021-06-08. Review status: criteria provided, single submitter. Criteria: Ambry Variant Classification Scheme 2023. Collection method: clinical testing. Allele origin: germline.
Comment: The p.I815M variant (also known as c.2445T>G), located in coding exon 23 of the RB1 gene, results from a T to G substitution at nucleotide position 2445. The isoleucine at codon 815 is replaced by methionine, an amino acid with highly similar properties. This amino acid position is not well conserved in available vertebrate species. In addition, this alteration is predicted to be tolerated by in silico analysis. Since supporting evidence is limited at this time, the clinical significance of this alteration remains unclear.